The following is an entry in ClinVar:

NM_000053.4(ATP7B):c.3841G>C (p.Gly1281Arg)

Gene: ATP7B (ATPase copper transporting beta; minus strand). Cytogenetic location: 13q14.3.
Variant type: single nucleotide variant.
Coding change: c.3841G>C on transcript NM_000053.4 (MANE Select); coding-DNA position 3841, G replaced by C.
Protein change: p.Gly1281Arg; replaces glycine 1281 with arginine.
Molecular consequence: missense variant. On other transcripts: intron variant (1).
Genome position (GRCh38, 1-based): chr13:51,937,538, C>G on the plus strand (G>C on the coding strand, the complement: ATP7B is on the minus strand). VCF-style: chr13-51937538-C-G. GRCh37 (hg19) VCF-style: chr13-52511674-C-G.
Other names: c.3508G>C, p.Gly1170Arg (NM_001243182.2); c.3607G>C, p.Gly1203Arg (NM_001330578.2, NM_001406527.1, NM_001406528.1); c.3589G>C, p.Gly1197Arg (NM_001330579.2, NM_001406531.1, NM_001406532.1); c.3841G>C, p.Gly1281Arg (NM_001406511.1, NM_001406512.1); c.3835G>C, p.Gly1279Arg (NM_001406513.1); c.3808G>C, p.Gly1270Arg (NM_001406514.1); c.3787G>C, p.Gly1263Arg (NM_001406515.1, NM_001406516.1); c.3745G>C, p.Gly1249Arg (NM_001406517.1, NM_001406518.1); and 21 more; short protein forms G1000R, G1054R, G1065R, G1074R, G1087R, G1117R, G1119R, G1132R.
Identifiers: ClinVar variation 3775373 (VCV003775373.1).

ClinVar aggregate classification (germline): Uncertain significance (1 of 4 stars; one submission).

Conditions:
Wilson disease (WND). Also called: Wilson's disease. Identifiers: Orphanet 905, MedGen C0019202, MONDO:0010200, OMIM 277900. Disease mechanism: loss of function.

Submission:

3billion
Classification: Uncertain significance for Wilson disease. Last evaluated: 2023-08-02. Review status: criteria provided, single submitter. Criteria: ACMG Guidelines, 2015. Collection method: clinical testing. Allele origin: germline. Affected: yes.
Comment: The variant is not observed in the gnomAD v2.1.1 dataset. Predicted Consequence/Location: Missense variant In silico tool predictions suggest damaging effect of the variant on gene or gene product (REVEL: 0.98 (>=0.6, sensitivity 0.68 and specificity 0.92); 3Cnet: 0.87 (>=0.6, sensitivity 0.72 and precision 0.9)). Same nucleotide change resulting in same amino acid change has been previously reported to be associated with ATP7B related disorder (PMID: 22484412). However, the evidence of pathogenicity is insufficient at this time. Different missense changes at the same codon (p.Gly1281Asp, p.Gly1281Cys) have been reported to be associated with ATP7B related disorder (ClinVar ID: VCV000550301 /PMID: 17272994, 18034201). However the evidence of pathogenicity is insufficient at this time. Therefore, this variant is classified as VUS according to the recommendation of ACMG/AMP guideline.

Literature cited by the submitters: PubMed 22484412; PubMed 17272994.